The following is an entry in ClinVar:

NM_018006.5(TRMU):c.1019-158C>T

Gene: TRMU (tRNA mitochondrial 2-thiouridylase; plus strand). Cytogenetic location: 22q13.31.
Variant type: single nucleotide variant.
Coding change: c.1019-158C>T on transcript NM_018006.5 (MANE Select); 158 bases into the intron before coding-DNA position 1019, C replaced by T.
Molecular consequence: intron variant.
Genome position (GRCh38, 1-based): chr22:46,355,832, C>T. VCF-style: chr22-46355832-C-T. GRCh37 (hg19) VCF-style: chr22-46751729-C-T.
Other names: c.1018+244C>T (NM_001282785.2); c.677-158C>T (NM_001282782.2); c.599-158C>T (NM_001282783.2); c.598+244C>T (NM_001282784.2).
Identifiers: ClinVar variation 684280 (VCV000684280.2), dbSNP rs6008773, ClinGen allele CA14978156.

ClinVar aggregate classification (germline): Benign. Review status: criteria provided, multiple submitters, no conflicts (2 of 4 stars). 2 submissions from 2 submitters: Benign (2). Last evaluated 2018-06-14.

Allele frequency attached by ClinVar (database versions not stated): gnomAD 0.03150 and 0.03390; TOPMed 0.03641; 1000 Genomes Project 0.04213.
gnomAD v4.1: 7,469 of 1,011,858 alleles (0.74%); highest among the groups gnomAD compares: African/African-American, 12%; 337 homozygotes.

Submissions (2):

GeneDx
Classification: Benign. Last evaluated: 2018-06-14. Review status: criteria provided, single submitter. Criteria: GeneDx Variant Classification (06012015). Collection method: clinical testing. Allele origin: germline. Affected: yes.
Comment: This variant is considered likely benign or benign based on one or more of the following criteria: it is a conservative change, it occurs at a poorly conserved position in the protein, it is predicted to be benign by multiple in silico algorithms, and/or has population frequency not consistent with disease.

Breakthrough Genomics
Classification: Benign. Review status: criteria provided, single submitter. Criteria: ACMG Guidelines, 2015. Collection method: not provided. Allele origin: germline. Inheritance: Unknown mechanism. Affected: yes.